The following is an entry in ClinVar:

ClinVar aggregate classification (germline): Uncertain significance (1 of 4 stars; one submission).

Conditions:
POLD1-related polyposis and colorectal cancer syndrome (CRCS10). Also called: Colorectal cancer 10; COLORECTAL CANCER, SUSCEPTIBILITY TO, ON CHROMOSOME 19q; Colorectal cancer, susceptibility to, 10. Identifiers: Orphanet 220460, MedGen C2675481, MONDO:0012953, OMIM 612591.

Allele frequency attached by ClinVar (database versions not stated): gnomAD 0.00001.

Submission:

Labcorp Genetics (formerly Invitae), Labcorp
Classification: Uncertain significance for POLD1-related polyposis and colorectal cancer syndrome. Last evaluated: 2024-05-22. Review status: criteria provided, single submitter. Criteria: Invitae Variant Classification Sherloc (09022015). Collection method: clinical testing. Allele origin: germline.
Comment: This sequence change replaces alanine, which is neutral and non-polar, with serine, which is neutral and polar, at codon 769 of the POLD1 protein (p.Ala769Ser). This variant is not present in population databases (gnomAD no frequency). This variant has not been reported in the literature in individuals affected with POLD1-related conditions. ClinVar contains an entry for this variant (Variation ID: 949146). Advanced modeling of protein sequence and biophysical properties (such as structural, functional, and spatial information, amino acid conservation, physicochemical variation, residue mobility, and thermodynamic stability) performed at Invitae indicates that this missense variant is not expected to disrupt POLD1 protein function with a negative predictive value of 80%. In summary, the available evidence is currently insufficient to determine the role of this variant in disease. Therefore, it has been classified as a Variant of Uncertain Significance.

NM_002691.4(POLD1):c.2305G>T (p.Ala769Ser)

Gene: POLD1 (DNA polymerase delta 1, catalytic subunit; plus strand). Cytogenetic location: 19q13.33.
Variant type: single nucleotide variant.
Coding change: c.2305G>T on transcript NM_002691.4 (MANE Select); coding-DNA position 2305, G replaced by T.
Protein change: p.Ala769Ser; replaces alanine 769 with serine.
Molecular consequence: missense variant. On other transcripts: non-coding transcript variant (1).
Genome position (GRCh38, 1-based): chr19:50,413,796, G>T. VCF-style: chr19-50413796-G-T. GRCh37 (hg19) VCF-style: chr19-50917053-G-T.
Other names: c.2305G>T, p.Ala769Ser (NM_001256849.1); c.2383G>T, p.Ala795Ser (NM_001308632.1); short protein forms A769S, A795S.
Identifiers: ClinVar variation 949146 (VCV000949146.9), dbSNP rs2039176601, ClinGen allele CA406984107.